The following is an entry in ClinVar:

ClinVar aggregate classification (germline): Uncertain significance (1 of 4 stars; one submission).

Submission:

Labcorp Genetics (formerly Invitae), Labcorp
Classification: Uncertain significance. Last evaluated: 2024-09-02. Review status: criteria provided, single submitter. Criteria: Invitae Variant Classification Sherloc (09022015). Collection method: clinical testing. Allele origin: germline.
Comment: This sequence change replaces aspartic acid, which is acidic and polar, with valine, which is neutral and non-polar, at codon 138 of the SRCAP protein (p.Asp138Val). This variant is not present in population databases (gnomAD no frequency). This variant has not been reported in the literature in individuals affected with SRCAP-related conditions. Invitae Evidence Modeling of protein sequence and biophysical properties (such as structural, functional, and spatial information, amino acid conservation, physicochemical variation, residue mobility, and thermodynamic stability) has been performed for this missense variant. However, the output from this modeling did not meet the statistical confidence thresholds required to predict the impact of this variant on SRCAP protein function. In summary, the available evidence is currently insufficient to determine the role of this variant in disease. Therefore, it has been classified as a Variant of Uncertain Significance.

NM_006662.3(SRCAP):c.413A>T (p.Asp138Val)

Gene: SRCAP (Snf2 related CREBBP activator protein; plus strand). Cytogenetic location: 16p11.2.
Variant type: single nucleotide variant.
Coding change: c.413A>T on transcript NM_006662.3 (MANE Select); coding-DNA position 413, A replaced by T.
Protein change: p.Asp138Val; replaces aspartic acid 138 with valine.
Molecular consequence: missense variant.
Genome position (GRCh38, 1-based): chr16:30,707,289, A>T. VCF-style: chr16-30707289-A-T. GRCh37 (hg19) VCF-style: chr16-30718610-A-T.
Other names: short protein forms D138V.
Identifiers: ClinVar variation 3664271 (VCV003664271.2).
Genomic context (GRCh38, chr16:30,707,289, plus strand): 5'-TCTGGTCACTGAAGAGGCTGCCTAAGGTGCCAGAGCCCCCTCGCCCCAAAGGTCACTGGG[A>T]CTATTTGTGCGAAGAGATGCAGTGGCTCTCTGCTGACTTTGCTCAGGAGCGCCGTTGGAA-3'
Protein context (NP_006653.2, residues 128-148): PEPPRPKGHW[Asp138Val]YLCEEMQWLS